The following is an entry in ClinVar:

NM_003238.6(TGFB2):c.13G>C (p.Val5Leu)

Gene: TGFB2 (transforming growth factor beta 2; plus strand). Cytogenetic location: 1q41.
Variant type: single nucleotide variant.
Coding change: c.13G>C on transcript NM_003238.6 (MANE Select); coding-DNA position 13, G replaced by C.
Protein change: p.Val5Leu; replaces valine 5 with leucine.
Molecular consequence: missense variant. On other transcripts: non-coding transcript variant (2).
Genome position (GRCh38, 1-based): chr1:218,346,714, G>C. VCF-style: chr1-218346714-G-C. GRCh37 (hg19) VCF-style: chr1-218520056-G-C.
Other names: c.13G>C, p.Val5Leu (NM_001135599.4); short protein forms V5L.
Identifiers: ClinVar variation 651860 (VCV000651860.11), dbSNP rs1571820552, ClinGen allele CA344725097.

ClinVar aggregate classification (germline): Uncertain significance (1 of 4 stars; one submission).

Conditions:
Loeys-Dietz syndrome 4 (LDS4). Also called: ANEURYSM, AORTIC AND CEREBRAL, WITH ARTERIAL TORTUOSITY AND SKELETAL MANIFESTATIONS; TGFB2-Related Loeys-Dietz Syndrome. Identifiers: MedGen C3553762, MONDO:0013897, OMIM 614816.

Submission:

Labcorp Genetics (formerly Invitae), Labcorp
Classification: Uncertain significance for Loeys-Dietz syndrome 4. Last evaluated: 2018-08-03. Review status: criteria provided, single submitter. Criteria: Invitae Variant Classification Sherloc (09022015). Collection method: clinical testing. Allele origin: germline.
Comment: In summary, the available evidence is currently insufficient to determine the role of this variant in disease. Therefore, it has been classified as a Variant of Uncertain Significance. Algorithms developed to predict the effect of missense changes on protein structure and function output the following: SIFT: "Tolerated"; PolyPhen-2: "Benign"; Align-GVGD: "Class C0". The leucine amino acid residue is found in multiple mammalian species, suggesting that this missense change does not adversely affect protein function. These predictions have not been confirmed by published functional studies and their clinical significance is uncertain. This variant has not been reported in the literature in individuals with TGFB2-related disease. This variant is not present in population databases (ExAC no frequency). This sequence change replaces valine with leucine at codon 5 of the TGFB2 protein (p.Val5Leu). The valine residue is moderately conserved and there is a small physicochemical difference between valine and leucine.